The following is an entry in ClinVar:

NM_000426.4(LAMA2):c.6062dup (p.Leu2023fs)

Gene: LAMA2 (laminin subunit alpha 2; plus strand). Cytogenetic location: 6q22.33.
Variant type: Duplication.
Coding change: c.6062dup on transcript NM_000426.4 (MANE Select); coding-DNA position 6062, one base duplicated (G; older notation c.6062dupG).
Protein change: p.Leu2023fs; shifts the reading frame from leucine 2023.
Molecular consequence: frameshift variant.
Genome position (GRCh38, 1-based): chr6:129,438,739, G duplicated; the last of 3 consecutive G bases (chr6:129,438,737-129,438,739); duplicating any one gives the same sequence. VCF-style (leftmost placement, unchanged base first): chr6-129438736-T-TG. GRCh37 (hg19) VCF-style: chr6-129759881-T-TG.
Other names: c.6062dupG (NM_000426.3); c.6062dup, p.Leu2023fs (NM_001079823.2); short protein forms L2023fs.
Identifiers: ClinVar variation 432426 (VCV000432426.9), dbSNP rs1554297242, ClinGen allele CA645372433.

ClinVar aggregate classification (germline): Pathogenic/Likely pathogenic. Review status: criteria provided, multiple submitters, no conflicts (2 of 4 stars). 3 submissions from 3 submitters: Pathogenic (2); Likely pathogenic (1). Last evaluated 2024-05-08.

Conditions:
LAMA2-related muscular dystrophy (LAMA2-RD). Also called: Laminin alpha 2-related dystrophy. Identifiers: MedGen C5679788, MONDO:0100228.

Submissions (3):

Myriad Genetics, Inc.
Classification: Pathogenic for LAMA2-related muscular dystrophy. Last evaluated: 2024-05-08. Review status: criteria provided, single submitter. Criteria: Myriad Autosomal Dominant, Autosomal Recessive and X-Linked Classification Criteria (2023). Collection method: clinical testing. Allele origin: unknown.
Comment: NM_000426.3(LAMA2):c.6062dupG(L2023Vfs*7) is expected to be pathogenic in the context of muscular dystrophy, LAMA2-related. This variant is predicted to lead to an abnormal or absent protein product due to the creation of a premature termination codon in LAMA2, a gene where loss-of-function variants are known to be pathogenic. Please note: this variant was assessed in the context of healthy population screening.

Labcorp Genetics (formerly Invitae), Labcorp
Classification: Pathogenic for LAMA2-related muscular dystrophy. Last evaluated: 2022-03-12. Review status: criteria provided, single submitter. Criteria: Invitae Variant Classification Sherloc (09022015). Collection method: clinical testing. Allele origin: germline.
Comment: For these reasons, this variant has been classified as Pathogenic. ClinVar contains an entry for this variant (Variation ID: 432426). This variant has not been reported in the literature in individuals affected with LAMA2-related conditions. This variant is not present in population databases (gnomAD no frequency). This sequence change creates a premature translational stop signal (p.Leu2023Valfs*7) in the LAMA2 gene. It is expected to result in an absent or disrupted protein product. Loss-of-function variants in LAMA2 are known to be pathogenic (PMID: 18700894, 32904964).

GeneDx
Classification: Likely pathogenic. Last evaluated: 2017-06-06. Review status: criteria provided, single submitter. Criteria: GeneDx Variant Classification (06012015). Collection method: clinical testing. Allele origin: germline. Affected: yes.
Comment: The c.6062dupG variant in the LAMA2 gene has not been reported previously as a pathogenic variant nor as a benign variant, to our knowledge. The c.6062dupG variant causes a frameshift starting with codon Leucine 2023, changes this amino acid to a Valine residue, and creates a premature Stop codon at position 7 of the new reading frame, denoted p.Leu2023ValfsX7. This variant is predicted to cause loss of normal protein function either through protein truncation or nonsense-mediated mRNA decay. The c.6062dupG variant is not observed in large population cohorts (Lek et al., 2016; 1000 Genomes Consortium et al., 2015; Exome Variant Server). We interpret c.6062dupG as a likely pathogenic variant.

Literature cited by the submitters: PubMed 18700894 (cited by Labcorp Genetics (formerly Invitae), Labcorp); PubMed 32904964 (cited by Labcorp Genetics (formerly Invitae), Labcorp).